The following is an entry in ClinVar:

ClinVar aggregate classification (germline): Uncertain significance. Review status: criteria provided, multiple submitters, no conflicts (2 of 4 stars). 2 submissions from 2 submitters: Uncertain significance (2). Last evaluated 2022-04-28.

Conditions:
Inborn genetic diseases. Identifiers: MedGen C0950123, MeSH D030342.

Allele frequency attached by ClinVar (database versions not stated): ExAC 0.00002; gnomAD exomes 0.00001.
gnomAD v4.1: 19 of 1,613,916 alleles (0.0012%); highest among the groups gnomAD compares: Non-Finnish European, 0.0015%; no homozygotes.

Submissions (2):

Ambry Genetics
Classification: Uncertain significance for Inborn genetic diseases. Last evaluated: 2022-04-28. Review status: criteria provided, single submitter. Criteria: Ambry Variant Classification Scheme 2023. Collection method: clinical testing. Allele origin: germline.

Labcorp Genetics (formerly Invitae), Labcorp
Classification: Uncertain significance. Last evaluated: 2021-09-02. Review status: criteria provided, single submitter. Criteria: Invitae Variant Classification Sherloc (09022015). Collection method: clinical testing. Allele origin: germline.
Comment: This sequence change replaces glutamine with glutamic acid at codon 476 of the SLC12A1 protein (p.Gln476Glu). The glutamine residue is moderately conserved and there is a small physicochemical difference between glutamine and glutamic acid. This variant is present in population databases (rs750169855, ExAC 0.003%). This variant has not been reported in the literature in individuals affected with SLC12A1-related conditions. Algorithms developed to predict the effect of missense changes on protein structure and function (SIFT, PolyPhen-2, Align-GVGD) all suggest that this variant is likely to be tolerated. In summary, the available evidence is currently insufficient to determine the role of this variant in disease. Therefore, it has been classified as a Variant of Uncertain Significance.

NM_000338.3(SLC12A1):c.1426C>G (p.Gln476Glu)

Gene: SLC12A1 (solute carrier family 12 member 1; plus strand). Cytogenetic location: 15q21.1.
Variant type: single nucleotide variant.
Coding change: c.1426C>G on transcript NM_000338.3 (MANE Select); coding-DNA position 1426, C replaced by G.
Protein change: p.Gln476Glu; replaces glutamine 476 with glutamic acid.
Molecular consequence: missense variant.
Genome position (GRCh38, 1-based): chr15:48,244,878, C>G. VCF-style: chr15-48244878-C-G. GRCh37 (hg19) VCF-style: chr15-48537075-C-G.
Other names: c.1426C>G, p.Gln476Glu (NM_001184832.2, NM_001384136.1); c.1426C>G (NM_000338.2); short protein forms Q476E.
Identifiers: ClinVar variation 1050964 (VCV001050964.7), dbSNP rs750169855, ClinGen allele CA7547075.